The following is an entry in ClinVar:

ClinVar aggregate classification (germline): Uncertain significance (1 of 4 stars; one submission).

Conditions:
Kabuki syndrome. Also called: NIIKAWA-KUROKI SYNDROME; Kabuki make-up syndrome. Identifiers: Orphanet 2322, MedGen C0796004, MONDO:0016512.

Submission:

Labcorp Genetics (formerly Invitae), Labcorp
Classification: Uncertain significance for Kabuki syndrome. Last evaluated: 2022-02-11. Review status: criteria provided, single submitter. Criteria: Invitae Variant Classification Sherloc (09022015). Collection method: clinical testing. Allele origin: germline.
Comment: This variant has not been reported in the literature in individuals affected with KMT2D-related conditions. This variant is not present in population databases (gnomAD no frequency). This sequence change replaces proline, which is neutral and non-polar, with leucine, which is neutral and non-polar, at codon 1920 of the KMT2D protein (p.Pro1920Leu). In summary, the available evidence is currently insufficient to determine the role of this variant in disease. Therefore, it has been classified as a Variant of Uncertain Significance. Advanced modeling of protein sequence and biophysical properties (such as structural, functional, and spatial information, amino acid conservation, physicochemical variation, residue mobility, and thermodynamic stability) performed at Invitae indicates that this missense variant is not expected to disrupt KMT2D protein function. ClinVar contains an entry for this variant (Variation ID: 1011175).

NM_003482.4(KMT2D):c.5759C>T (p.Pro1920Leu)

Gene: KMT2D (lysine methyltransferase 2D; minus strand). Cytogenetic location: 12q13.12.
Variant type: single nucleotide variant.
Coding change: c.5759C>T on transcript NM_003482.4 (MANE Select); coding-DNA position 5759, C replaced by T.
Protein change: p.Pro1920Leu; replaces proline 1920 with leucine.
Molecular consequence: missense variant.
Genome position (GRCh38, 1-based): chr12:49,042,764, G>A on the plus strand (C>T on the coding strand, the complement: KMT2D is on the minus strand). VCF-style: chr12-49042764-G-A. GRCh37 (hg19) VCF-style: chr12-49436547-G-A.
Other names: short protein forms P1920L.
Identifiers: ClinVar variation 1011175 (VCV001011175.8), dbSNP rs1943600321, ClinGen allele CA384628819.